The following is an entry in ClinVar:

NM_002900.3(RBP3):c.3491C>T (p.Ala1164Val)

Gene: RBP3 (retinol binding protein 3; plus strand). Cytogenetic location: 10q11.22.
Variant type: single nucleotide variant.
Coding change: c.3491C>T on transcript NM_002900.3 (MANE Select); coding-DNA position 3491, C replaced by T.
Protein change: p.Ala1164Val; replaces alanine 1164 with valine.
Molecular consequence: missense variant.
Genome position (GRCh38, 1-based): chr10:47,357,204, C>T. VCF-style: chr10-47357204-C-T. GRCh37 (hg19) VCF-style: chr10-48382158-G-A.
Other names: short protein forms A1164V.
Identifiers: ClinVar variation 1372198 (VCV001372198.8), dbSNP rs781818114, ClinGen allele CA5487032.
Genomic context (GRCh38, chr10:47,357,204, plus strand): 5'-GCAGTGTGACGGCCGGCACCGCGGAGGAGTTCACCTATATCATGAAGAGGCTGGGCCGGG[C>T]CCTGGTCATTGGGGAGGTGACCAGTGGGGGCTGCCAGCCACCACAGACCTACCACGTGGA-3'
Protein context (NP_002891.1, residues 1154-1174): FTYIMKRLGR[Ala1164Val]LVIGEVTSGG

ClinVar aggregate classification (germline): Uncertain significance (1 of 4 stars; one submission).

Allele frequency attached by ClinVar (database versions not stated): gnomAD exomes below 0.00001 and 0.00001; TOPMed below 0.00001; ExAC 0.00001; gnomAD 0.00001.

Submission:

Labcorp Genetics (formerly Invitae), Labcorp
Classification: Uncertain significance. Last evaluated: 2022-11-28. Review status: criteria provided, single submitter. Criteria: Invitae Variant Classification Sherloc (09022015). Collection method: clinical testing. Allele origin: germline.
Comment: This sequence change replaces alanine, which is neutral and non-polar, with valine, which is neutral and non-polar, at codon 1164 of the RBP3 protein (p.Ala1164Val). This variant is present in population databases (rs781818114, gnomAD 0.0009%). This variant has not been reported in the literature in individuals affected with RBP3-related conditions. ClinVar contains an entry for this variant (Variation ID: 1372198). Algorithms developed to predict the effect of missense changes on protein structure and function are either unavailable or do not agree on the potential impact of this missense change (SIFT: "Tolerated"; PolyPhen-2: "Possibly Damaging"; Align-GVGD: "Class C0"). In summary, the available evidence is currently insufficient to determine the role of this variant in disease. Therefore, it has been classified as a Variant of Uncertain Significance.